The following is an entry in ClinVar:

ClinVar aggregate classification (germline): Uncertain significance (1 of 4 stars; one submission).

Conditions:
Autosomal dominant nocturnal frontal lobe epilepsy 5. Also called: Epilepsy, nocturnal frontal lobe, 5; CILIARY DYSKINESIA, PRIMARY, 28, WITHOUT SITUS INVERSUS; CILIARY DYSKINESIA, PRIMARY, 28, WITH SITUS INVERSUS; KCNT1-Related Epilepsy. Identifiers: Orphanet 98784, MedGen C3554306, MONDO:0014002, OMIM 615005.
Developmental and epileptic encephalopathy, 14 (DEE14). Also called: Early infantile epileptic encephalopathy 14. Identifiers: Orphanet 293181, MedGen C3554195, MONDO:0013989, OMIM 614959.

Allele frequency attached by ClinVar (database versions not stated): gnomAD exomes below 0.00001; TOPMed below 0.00001; gnomAD 0.00001.
gnomAD v4.1: 7 of 1,489,982 alleles (0.00047%); highest among the groups gnomAD compares: East Asian, 0.0025%; no homozygotes.

Submission:

Labcorp Genetics (formerly Invitae), Labcorp
Classification: Uncertain significance for Autosomal dominant nocturnal frontal lobe epilepsy 5; Developmental and epileptic encephalopathy, 14. Last evaluated: 2025-04-08. Review status: criteria provided, single submitter. Criteria: Invitae Variant Classification Sherloc (09022015). Collection method: clinical testing. Allele origin: germline.
Comment: This sequence change replaces glycine, which is neutral and non-polar, with aspartic acid, which is acidic and polar, at codon 692 of the KCNT1 protein (p.Gly692Asp). The frequency data for this variant in the population databases is considered unreliable, as metrics indicate poor data quality at this position in the gnomAD database. This variant has not been reported in the literature in individuals affected with KCNT1-related conditions. ClinVar contains an entry for this variant (Variation ID: 1346939). Invitae Evidence Modeling of protein sequence and biophysical properties (such as structural, functional, and spatial information, amino acid conservation, physicochemical variation, residue mobility, and thermodynamic stability) indicates that this missense variant is not expected to disrupt KCNT1 protein function with a negative predictive value of 80%. In summary, the available evidence is currently insufficient to determine the role of this variant in disease. Therefore, it has been classified as a Variant of Uncertain Significance.

NM_020822.3(KCNT1):c.2075G>A (p.Gly692Asp)

Gene: KCNT1 (potassium sodium-activated channel subfamily T member 1; plus strand). Cytogenetic location: 9q34.3.
Variant type: single nucleotide variant.
Coding change: c.2075G>A on transcript NM_020822.3 (MANE Select); coding-DNA position 2075, G replaced by A.
Protein change: p.Gly692Asp; replaces glycine 692 with aspartic acid.
Molecular consequence: missense variant.
Genome position (GRCh38, 1-based): chr9:135,772,781, G>A. VCF-style: chr9-135772781-G-A. GRCh37 (hg19) VCF-style: chr9-138664627-G-A.
Other names: c.1940G>A, p.Gly647Asp (NM_001272003.2); short protein forms G692D, G647D.
Identifiers: ClinVar variation 1346939 (VCV001346939.8), dbSNP rs922840311, ClinGen allele CA201474675.
Genomic context (GRCh38, chr9:135,772,781, plus strand): 5'-TGGCCATGGACCTGCAGGGCACAGAGCACCGGCCTACGCAGAGCGGCGGTGGGGGCGGGG[G>A]CAGCAAGCTGGCACTGCCCACGGAGAACGGCTCGGGCAGCCGGCGGCCCAGCATCGCGCC-3'
Protein context (NP_065873.2, residues 682-702): RPTQSGGGGG[Gly692Asp]SKLALPTENG